The following is an entry in ClinVar:

NM_000198.4(HSD3B2):c.497T>G (p.Leu166Arg)

Gene: HSD3B2 (hydroxy-delta-5-steroid dehydrogenase, 3 beta- and steroid delta-isomerase 2; plus strand). Cytogenetic location: 1p12.
Variant type: single nucleotide variant.
Coding change: c.497T>G on transcript NM_000198.4 (MANE Select); coding-DNA position 497, T replaced by G.
Protein change: p.Leu166Arg; replaces leucine 166 with arginine.
Molecular consequence: missense variant.
Genome position (GRCh38, 1-based): chr1:119,421,998, T>G. VCF-style: chr1-119421998-T-G. GRCh37 (hg19) VCF-style: chr1-119964621-T-G.
Other names: c.497T>G, p.Leu166Arg (NM_001166120.2); short protein forms L166R.
Identifiers: ClinVar variation 2151507 (VCV002151507.4), dbSNP rs1284571477, ClinGen allele CA341396799.
Genomic context (GRCh38, chr1:119,421,998, plus strand): 5'-TGGAAAACACATGGCCCACTCCATACCCGTACAGCAAAAAGCTTGCTGAGAAGGCTGTGC[T>G]GGCGGCTAATGGGTGGAATCTAAAAAATGGTGATACCTTGTACACTTGTGCGTTAAGACC-3'
Protein context (NP_000189.1, residues 156-176): YSKKLAEKAV[Leu166Arg]AANGWNLKNG

ClinVar aggregate classification (germline): Uncertain significance (1 of 4 stars; one submission).

Allele frequency attached by ClinVar (database versions not stated): gnomAD exomes below 0.00001; TOPMed below 0.00001; gnomAD 0.00003.

Submission:

Labcorp Genetics (formerly Invitae), Labcorp
Classification: Uncertain significance. Last evaluated: 2023-10-03. Review status: criteria provided, single submitter. Criteria: Invitae Variant Classification Sherloc (09022015). Collection method: clinical testing. Allele origin: germline.
Comment: This sequence change replaces leucine, which is neutral and non-polar, with arginine, which is basic and polar, at codon 166 of the HSD3B2 protein (p.Leu166Arg). This variant is present in population databases (no rsID available, gnomAD 0.03%). This variant has not been reported in the literature in individuals affected with HSD3B2-related conditions. ClinVar contains an entry for this variant (Variation ID: 2151507). Advanced modeling of protein sequence and biophysical properties (such as structural, functional, and spatial information, amino acid conservation, physicochemical variation, residue mobility, and thermodynamic stability) performed at Invitae indicates that this missense variant is expected to disrupt HSD3B2 protein function. In summary, the available evidence is currently insufficient to determine the role of this variant in disease. Therefore, it has been classified as a Variant of Uncertain Significance.